The following is an entry in ClinVar:

NM_006767.4(LZTR1):c.628C>G (p.Arg210Gly)

Gene: LZTR1 (leucine zipper like post translational regulator 1; plus strand). Cytogenetic location: 22q11.21.
Variant type: single nucleotide variant.
Coding change: c.628C>G on transcript NM_006767.4 (MANE Select); coding-DNA position 628, C replaced by G.
Protein change: p.Arg210Gly; replaces arginine 210 with glycine.
Molecular consequence: missense variant.
Genome position (GRCh38, 1-based): chr22:20,989,659, C>G. VCF-style: chr22-20989659-C-G. GRCh37 (hg19) VCF-style: chr22-21343948-C-G.
Other names: c.628C>G (NM_006767.3); short protein forms R210G.
Identifiers: ClinVar variation 1936528 (VCV001936528.8), dbSNP rs150419186, ClinGen allele CA10118526.

ClinVar aggregate classification (germline): Uncertain significance. Review status: criteria provided, multiple submitters, no conflicts (2 of 4 stars). 2 submissions from 2 submitters: Uncertain significance (2). Last evaluated 2026-01-19.

Conditions:
Cardiovascular phenotype. Identifiers: MedGen CN230736.
Hereditary cancer-predisposing syndrome. Also called: Neoplastic Syndromes, Hereditary; Hereditary Cancer Syndrome; Tumor predisposition; Hereditary neoplastic syndrome. Identifiers: Orphanet 140162, MedGen C0027672, MeSH D009386, MONDO:0015356.

gnomAD v4.1: 10 of 1,613,116 alleles (0.00062%); highest among the groups gnomAD compares: Non-Finnish European, 0.00076%; no homozygotes.

Submissions (2):

Labcorp Genetics (formerly Invitae), Labcorp
Classification: Uncertain significance. Last evaluated: 2026-01-19. Review status: criteria provided, single submitter. Criteria: Invitae Variant Classification Sherloc (09022015). Collection method: clinical testing. Allele origin: germline.
Comment: This sequence change replaces arginine, which is basic and polar, with glycine, which is neutral and non-polar, at codon 210 of the LZTR1 protein (p.Arg210Gly). This variant is present in population databases (rs150419186, gnomAD 0.003%). This variant has not been reported in the literature in individuals affected with LZTR1-related conditions. ClinVar contains an entry for this variant (Variation ID: 1936528). Invitae Evidence Modeling of protein sequence and biophysical properties (such as structural, functional, and spatial information, amino acid conservation, physicochemical variation, residue mobility, and thermodynamic stability) indicates that this missense variant is not expected to disrupt LZTR1 protein function with a negative predictive value of 80%. In summary, the available evidence is currently insufficient to determine the role of this variant in disease. Therefore, it has been classified as a Variant of Uncertain Significance.

Ambry Genetics
Classification: Uncertain significance for Cardiovascular phenotype; Hereditary cancer-predisposing syndrome. Last evaluated: 2025-02-02. Review status: criteria provided, single submitter. Criteria: Ambry Variant Classification Scheme 2023. Collection method: clinical testing. Allele origin: germline.
Comment: The p.R210G variant (also known as c.628C>G), located in coding exon 7 of the LZTR1 gene, results from a C to G substitution at nucleotide position 628. The arginine at codon 210 is replaced by glycine, an amino acid with dissimilar properties. This amino acid position is highly conserved in available vertebrate species. In addition, the in silico prediction for this alteration is inconclusive. Since supporting evidence is limited at this time, the clinical significance of this alteration remains unclear.